The following is an entry in ClinVar:

NM_002577.4(PAK2):c.987dup (p.Ser330fs)

Gene: PAK2 (p21 (RAC1) activated kinase 2; plus strand). Cytogenetic location: 3q29.
Variant type: Duplication.
Coding change: c.987dup on transcript NM_002577.4 (MANE Select); coding-DNA position 987, one base duplicated (G; older notation c.987dupG).
Protein change: p.Ser330fs; shifts the reading frame from serine 330.
Molecular consequence: frameshift variant.
Genome position (GRCh38, 1-based): chr3:196,814,502, G duplicated; the last of 6 consecutive G bases (chr3:196,814,497-196,814,502); duplicating any one gives the same sequence. VCF-style (leftmost placement, unchanged base first): chr3-196814496-T-TG. GRCh37 (hg19) VCF-style: chr3-196541367-T-TG.
Other names: short protein forms S330fs.
Identifiers: ClinVar variation 5018134 (VCV005018134.1).
Genomic context (GRCh38, chr3:196,814,496, plus strand): 5'-ATGTTGTATTTTTAGTTACCTGGTAGGAGATGAATTGTTTGTGGTCATGGAATACCTTGC[T>TG]GGGGGGTCACTCACTGATGTGGTAACAGAAACGTGCATGGATGAAGCACAGATTGCTGCT-3'

ClinVar aggregate classification (germline): Uncertain significance (1 of 4 stars; one submission).

Submission:

GeneDx
Classification: Uncertain significance. Last evaluated: 2026-04-07. Review status: criteria provided, single submitter. Criteria: GeneDx Variant Classification Process June 2021. Collection method: clinical testing. Allele origin: germline.
Comment: Not observed at significant frequency in large population cohorts (gnomAD); Has not been previously published as pathogenic or benign to our knowledge; Frameshift variant predicted to result in protein truncation or nonsense mediated decay in a gene for which loss of function is not an established mechanism of disease